The following is an entry in ClinVar:

NM_000180.4(GUCY2D):c.3139-6C>A

Gene: GUCY2D (guanylate cyclase 2D, retinal; plus strand). Cytogenetic location: 17p13.1.
Variant type: single nucleotide variant.
Coding change: c.3139-6C>A on transcript NM_000180.4 (MANE Select); 6 bases into the intron before coding-DNA position 3139, C replaced by A.
Molecular consequence: intron variant.
Genome position (GRCh38, 1-based): chr17:8,016,199, C>A. VCF-style: chr17-8016199-C-A. GRCh37 (hg19) VCF-style: chr17-7919517-C-A.
Other names: c.3139-6C>A (NM_000180.3).
Identifiers: ClinVar variation 1356095 (VCV001356095.8), dbSNP rs745511852, ClinGen allele CA8366332.
Genomic context (GRCh38, chr17:8,016,199, plus strand): 5'-AGACTCGAGATCCCCCACCCCTCACCCCAGTCCGCCTAAGTCCTTCCCTCTCCCATGTCT[C>A]CCCAGGGCAAGGGCGCCGAGGACACTTTCTGGCTAGTGGGCAGACGCGGCTTCAACAAGC-3'

ClinVar aggregate classification (germline): Conflicting classifications of pathogenicity. Review status: criteria provided, conflicting classifications (1 of 4 stars). 3 submissions from 3 submitters: Uncertain significance (2); Likely benign (1). Last evaluated 2025-09-26.

Conditions:
Cone-rod dystrophy 6 (CORD6). Also called: RETINAL CONE DYSTROPHY 2; Cone dystrophy progressive. Identifiers: Orphanet 1872, MedGen C1866293, MONDO:0011143, OMIM 601777.
Leber congenital amaurosis 1 (LCA1). Also called: Congenital absence of the rods and cones; Leber's congenital tapetoretinal degeneration; Leber's congenital tapetoretinal dysplasia; RETINAL BLINDNESS, CONGENITAL; AMAUROSIS CONGENITA OF LEBER I. Identifiers: Orphanet 65, MedGen C2931258, MONDO:0008764, OMIM 204000.
GUCY2D-related disorder. Also called: GUCY2D-related condition.

Allele frequency attached by ClinVar (database versions not stated): gnomAD 0.00001; gnomAD exomes 0.00001; TOPMed 0.00001; ExAC 0.00003.
gnomAD v4.1: 7 of 1,575,534 alleles (0.00044%); highest among the groups gnomAD compares: Admixed American, 0.0018%; no homozygotes.

Submissions (3):

PreventionGenetics, part of Exact Sciences
Classification: Uncertain significance for GUCY2D-related condition. Last evaluated: 2025-09-26. Review status: criteria provided, single submitter. Criteria: ACMG Guidelines, 2015. Collection method: clinical testing. Allele origin: germline.
Comment: The GUCY2D c.3139-6C>A variant is predicted to interfere with splicing. This variant is predicted to alter splicing based on available splicing prediction programs (SpliceAI, Jaganathan et al. 2019. PubMed ID: 30661751). However, the use of computer prediction programs is not equivalent to functional evidence. To our knowledge, this variant has not been reported in the literature. This variant is reported in 0.0035% of alleles in individuals of Latino descent in gnomAD. At this time, the clinical significance of this variant is uncertain due to the absence of conclusive functional and genetic evidence.

Labcorp Genetics (formerly Invitae), Labcorp
Classification: Likely benign for Leber congenital amaurosis 1; Cone-rod dystrophy 6. Last evaluated: 2023-12-09. Review status: criteria provided, single submitter. Criteria: Invitae Variant Classification Sherloc (09022015). Collection method: clinical testing. Allele origin: germline.

Blueprint Genetics
Classification: Uncertain significance. Last evaluated: 2022-10-26. Review status: criteria provided, single submitter. Criteria: ACMG Guidelines, 2015. Collection method: clinical testing. Allele origin: germline.